The following is an entry in ClinVar:

ClinVar aggregate classification (germline): Likely benign. Review status: criteria provided, multiple submitters, no conflicts (2 of 4 stars). 3 submissions from 3 submitters: Likely benign (3). Last evaluated 2026-09-03.

Conditions:
PRPF8-related disorder. Also called: PRPF8-related condition.

Allele frequency attached by ClinVar (database versions not stated): gnomAD 0.00001; TOPMed 0.00001; gnomAD exomes 0.00003; ExAC 0.00004; ESP Exome Variant Server 0.00008.
gnomAD v4.1: 73 of 1,614,134 alleles (0.0045%); highest among the groups gnomAD compares: Non-Finnish European, 0.0058%; no homozygotes.

Submissions (3):

PreventionGenetics, part of Exact Sciences
Classification: Likely benign for PRPF8-related condition. Last evaluated: 2026-09-03. Review status: criteria provided, single submitter. Criteria: ACMG Guidelines, 2015. Collection method: clinical testing. Allele origin: germline.
Comment: This variant is classified as likely benign based on ACMG/AMP sequence variant interpretation guidelines (Richards et al. 2015 PMID: 25741868, with internal and published modifications).

Labcorp Genetics (formerly Invitae), Labcorp
Classification: Likely benign. Last evaluated: 2025-06-16. Review status: criteria provided, single submitter. Criteria: Invitae Variant Classification Sherloc (09022015). Collection method: clinical testing. Allele origin: germline.

Blueprint Genetics
Classification: Likely benign. Last evaluated: 2021-12-19. Review status: criteria provided, single submitter. Criteria: ACMG Guidelines, 2015. Collection method: clinical testing. Allele origin: germline.

NM_006445.4(PRPF8):c.1224G>A (p.Pro408=)

Gene: PRPF8 (pre-mRNA processing factor 8; minus strand). Cytogenetic location: 17p13.3.
Variant type: single nucleotide variant.
Coding change: c.1224G>A on transcript NM_006445.4 (MANE Select); coding-DNA position 1224, G replaced by A.
Protein change: p.Pro408=; no amino-acid change (proline 408 retained).
Molecular consequence: synonymous variant.
Genome position (GRCh38, 1-based): chr17:1,679,674, C>T on the plus strand (G>A on the coding strand, the complement: PRPF8 is on the minus strand). VCF-style: chr17-1679674-C-T. GRCh37 (hg19) VCF-style: chr17-1582968-C-T.
Other names: c.1224G>A (NM_006445.3).
Identifiers: ClinVar variation 1110739 (VCV001110739.9), dbSNP rs372154040, ClinGen allele CA8272414.